The following is an entry in ClinVar:

ClinVar aggregate classification (germline): Pathogenic (1 of 4 stars; one submission).

Conditions:
Cardiovascular phenotype. Identifiers: MedGen CN230736.

Submission:

Ambry Genetics
Classification: Pathogenic for Cardiovascular phenotype. Last evaluated: 2024-04-02. Review status: criteria provided, single submitter. Criteria: Ambry Variant Classification Scheme 2023. Collection method: clinical testing. Allele origin: germline.
Comment: The c.734_737delTTGT pathogenic mutation, located in coding exon 1 of the DOLK gene, results from a deletion of 4 nucleotides at nucleotide positions 734 to 737, causing a translational frameshift with a predicted alternate stop codon (p.F245Sfs*17). This alteration occurs at the 3' terminus of theDOLK gene, is not expected to trigger nonsense-mediated mRNA decay, and impacts the last 54% of the protein. However, premature stop codons are typically deleterious in nature, a significant portion of the protein is affected, and the impacted region is critical for protein function (Ambry internal data). This variant is considered to be rare based on population cohorts in the Genome Aggregation Database (gnomAD). Based on the supporting evidence, this alteration is interpreted as a disease-causing mutation.

NM_014908.4(DOLK):c.734_737del (p.Phe245fs)

Gene: DOLK (dolichol kinase; minus strand). Cytogenetic location: 9q34.11.
Variant type: Deletion.
Coding change: c.734_737del on transcript NM_014908.4 (MANE Select); coding-DNA positions 734 to 737, 4 bases deleted (TTGT; older notation c.734_737delTTGT).
Protein change: p.Phe245fs; shifts the reading frame from phenylalanine 245.
Molecular consequence: frameshift variant.
Genome position (GRCh38, 1-based): chr9:128,946,567-128,946,570, ACAA deleted on the plus strand (TTGT on the coding strand, the reverse complement: DOLK is on the minus strand); deleting any 4 consecutive bases within chr9:128,946,567-128,946,573 gives the same sequence; the c. name uses the placement nearest the transcript's 3' end. VCF-style (leftmost placement, unchanged base first): chr9-128946566-GACAA-G. GRCh37 (hg19) VCF-style: chr9-131708845-GACAA-G.
Other names: c.734_737delTTGT (NM_014908.3); short protein forms F245fs.
Identifiers: ClinVar variation 3273477 (VCV003273477.1).